The following is an entry in ClinVar:

ClinVar aggregate classification (germline): Uncertain significance. Review status: criteria provided, multiple submitters, no conflicts (2 of 4 stars). 3 submissions from 3 submitters: Uncertain significance (3). Last evaluated 2025-12-26.

Conditions:
Tuberous sclerosis syndrome (TSC). Also called: Tuberous sclerosis; Tuberous Sclerosis Complex. Identifiers: Orphanet 805, MedGen C0041341, MONDO:0001734.
Hereditary cancer-predisposing syndrome. Also called: Hereditary neoplastic syndrome; Neoplastic Syndromes, Hereditary; Tumor predisposition; Hereditary Cancer Syndrome. Identifiers: Orphanet 140162, MedGen C0027672, MeSH D009386, MONDO:0015356.
Tuberous sclerosis 2 (TSC2). Identifiers: Orphanet 805, MedGen C1860707, MONDO:0013199, OMIM 613254.

Submissions (3):

Labcorp Genetics (formerly Invitae), Labcorp
Classification: Uncertain significance for Tuberous sclerosis 2. Last evaluated: 2025-12-26. Review status: criteria provided, single submitter. Criteria: Invitae Variant Classification Sherloc (09022015). Collection method: clinical testing. Allele origin: germline.
Comment: This sequence change replaces cysteine, which is neutral and slightly polar, with serine, which is neutral and polar, at codon 1680 of the TSC2 protein (p.Cys1680Ser). This variant is not present in population databases (gnomAD no frequency). This variant has not been reported in the literature in individuals affected with TSC2-related conditions. ClinVar contains an entry for this variant (Variation ID: 1002935). Invitae Evidence Modeling of protein sequence and biophysical properties (such as structural, functional, and spatial information, amino acid conservation, physicochemical variation, residue mobility, and thermodynamic stability) indicates that this missense variant is not expected to disrupt TSC2 protein function with a negative predictive value of 95%. In summary, the available evidence is currently insufficient to determine the role of this variant in disease. Therefore, it has been classified as a Variant of Uncertain Significance.

Ambry Genetics
Classification: Uncertain significance for Hereditary cancer-predisposing syndrome. Last evaluated: 2023-09-08. Review status: criteria provided, single submitter. Criteria: Ambry Variant Classification Scheme 2023. Collection method: clinical testing. Allele origin: germline.
Comment: The p.C1680S variant (also known as c.5038T>A), located in coding exon 38 of the TSC2 gene, results from a T to A substitution at nucleotide position 5038. The cysteine at codon 1680 is replaced by serine, an amino acid with dissimilar properties. This amino acid position is highly conserved in available vertebrate species. In addition, this alteration is predicted to be deleterious by in silico analysis. Since supporting evidence is limited at this time, the clinical significance of this alteration remains unclear.

All of Us Research Program, National Institutes of Health
Classification: Uncertain significance for Tuberous sclerosis syndrome. Last evaluated: 2023-05-04. Review status: criteria provided, single submitter. Criteria: ACMG Guidelines, 2015. Collection method: clinical testing. Allele origin: germline. Inheritance: Autosomal dominant inheritance. Observed: 1 variant allele, 1 heterozygote.
Comment: This missense variant replaces cysteine with serine at codon 1680 of the TSC2 protein. Computational prediction is inconclusive regarding the impact of this variant on protein structure and function (internally defined REVEL score threshold 0.5 < inconclusive < 0.7, PMID: 27666373). To our knowledge, functional studies have not been reported for this variant. This variant has not been reported in individuals affected with TSC2-related disorders in the literature. This variant has not been identified in the general population by the Genome Aggregation Database (gnomAD). The available evidence is insufficient to determine the role of this variant in disease conclusively. Therefore, this variant is classified as a Variant of Uncertain Significance.

This study involves interpretation of variants in research participants for the purpose of population health screening. Participant phenotype was not available at the time of variant classification. Additional details can be found in publication PMID: 35346344, PMCID: PMC8962531

NM_000548.5(TSC2):c.5038T>A (p.Cys1680Ser)

Gene: TSC2 (TSC complex subunit 2; plus strand). Cytogenetic location: 16p13.3.
Variant type: single nucleotide variant.
Coding change: c.5038T>A on transcript NM_000548.5 (MANE Select); coding-DNA position 5038, T replaced by A.
Protein change: p.Cys1680Ser; replaces cysteine 1680 with serine.
Molecular consequence: missense variant.
Genome position (GRCh38, 1-based): chr16:2,087,911, T>A. VCF-style: chr16-2087911-T-A. GRCh37 (hg19) VCF-style: chr16-2137912-T-A.
Other names: c.5038T>A (NM_000548.3); c.4837T>A, p.Cys1613Ser (NM_001077183.3); c.4969T>A, p.Cys1657Ser (NM_001114382.3); c.4729T>A, p.Cys1577Ser (NM_001318827.2); c.4693T>A, p.Cys1565Ser (NM_001318829.2); c.4306T>A, p.Cys1436Ser (NM_001318831.2); c.4870T>A, p.Cys1624Ser (NM_001318832.2); c.4840T>A, p.Cys1614Ser (NM_001363528.2); and 2 more; short protein forms C1436S, C1565S, C1577S, C1613S, C1614S, C1624S, C1636S, C1637S.
Identifiers: ClinVar variation 1002935 (VCV001002935.11), dbSNP rs1555439802, ClinGen allele CA394311405.
Genomic context (GRCh38, chr16:2,087,911, plus strand): 5'-TTGTCCGGGCAGGGCCAGTTCAACTTTGTCCACGTGATCGTCACCCCGCTGGACTACGAG[T>A]GCAACCTGGTGTCCCTGCAGTGCAGGAAAGGTAGGGCCGGGTGGGGCCCTGCAGTGCAGG-3'
Protein context (NP_000539.2, residues 1670-1690): HVIVTPLDYE[Cys1680Ser]NLVSLQCRKD